The following is an entry in ClinVar:

NM_032043.3(BRIP1):c.1814G>A (p.Gly605Asp)

Gene: BRIP1 (BRCA1 interacting DNA helicase 1; minus strand). Cytogenetic location: 17q23.2.
Variant type: single nucleotide variant.
Coding change: c.1814G>A on transcript NM_032043.3 (MANE Select); coding-DNA position 1814, G replaced by A.
Protein change: p.Gly605Asp; replaces glycine 605 with aspartic acid.
Molecular consequence: missense variant.
Genome position (GRCh38, 1-based): chr17:61,780,382, C>T on the plus strand (G>A on the coding strand, the complement: BRIP1 is on the minus strand). VCF-style: chr17-61780382-C-T. GRCh37 (hg19) VCF-style: chr17-59857743-C-T.
Other names: short protein forms G605D.
Identifiers: ClinVar variation 1412722 (VCV001412722.9), dbSNP rs2145081033, ClinGen allele CA400480191.

ClinVar aggregate classification (germline): Uncertain significance (1 of 4 stars; one submission).

Conditions:
Familial cancer of breast. Also called: hereditary breast carcinoma; BREAST CANCER, FAMILIAL; Hereditary breast cancer. Identifiers: Orphanet 227535, MedGen C0346153, MONDO:0016419, OMIM 114480. Disease mechanism: loss of function.
Fanconi anemia complementation group J. Also called: BRIP1-Related Fanconi Anemia. Identifiers: Orphanet 84, MedGen C1836860, MONDO:0012187, OMIM 609054.

Submission:

Labcorp Genetics (formerly Invitae), Labcorp
Classification: Uncertain significance for Familial cancer of breast; Fanconi anemia complementation group J. Last evaluated: 2021-03-06. Review status: criteria provided, single submitter. Criteria: Invitae Variant Classification Sherloc (09022015). Collection method: clinical testing. Allele origin: germline.
Comment: Algorithms developed to predict the effect of missense changes on protein structure and function output the following: SIFT: "Tolerated"; PolyPhen-2: "Benign"; Align-GVGD: "Class C0". The aspartic acid amino acid residue is found in multiple mammalian species, suggesting that this missense change does not adversely affect protein function. These predictions have not been confirmed by published functional studies and their clinical significance is uncertain. In summary, the available evidence is currently insufficient to determine the role of this variant in disease. Therefore, it has been classified as a Variant of Uncertain Significance. This variant has not been reported in the literature in individuals with BRIP1-related conditions. This variant is not present in population databases (ExAC no frequency). This sequence change replaces glycine with aspartic acid at codon 605 of the BRIP1 protein (p.Gly605Asp). The glycine residue is weakly conserved and there is a moderate physicochemical difference between glycine and aspartic acid.